The following is an entry in ClinVar:

ClinVar aggregate classification (germline): Uncertain significance (1 of 4 stars; one submission).

Submission:

GeneDx
Classification: Uncertain significance. Last evaluated: 2026-06-09. Review status: criteria provided, single submitter. Criteria: GeneDx Variant Classification Process June 2021. Collection method: clinical testing. Allele origin: germline.
Comment: Not observed at significant frequency in large population cohorts (gnomAD); In silico analysis supports that this missense variant has a deleterious effect on protein structure/function; Has not been previously published as pathogenic or benign to our knowledge

NM_001303052.2(MYT1L):c.2257A>C (p.Lys753Gln)

Gene: MYT1L (myelin transcription factor 1 like; minus strand). Cytogenetic location: 2p25.3.
Variant type: single nucleotide variant.
Coding change: c.2257A>C on transcript NM_001303052.2 (MANE Select); coding-DNA position 2257, A replaced by C.
Protein change: p.Lys753Gln; replaces lysine 753 with glutamine.
Molecular consequence: missense variant.
Genome position (GRCh38, 1-based): chr2:1,892,063, T>G on the plus strand (A>C on the coding strand, the complement: MYT1L is on the minus strand). VCF-style: chr2-1892063-T-G. GRCh37 (hg19) VCF-style: chr2-1895835-T-G.
Other names: c.2257A>C, p.Lys753Gln (NM_001329844.2, NM_001329845.1, NM_001329851.3); c.2251A>C, p.Lys751Gln (NM_001329846.3, NM_001329847.2, NM_001329848.1 and 3 more transcripts); short protein forms K751Q, K753Q.
Identifiers: ClinVar variation 3340867 (VCV003340867.2).
Genomic context (GRCh38, chr2:1,892,063, plus strand): 5'-CGCCAGGTGGCTCCACCTGCCCAGGCGCGCGTACCCGCGTGGCGCACAGGTCCTGCGGCT[T>G]GGTGCTCAGGTTCTGCGGCATCTCGCGGCAGCGCGTGGACAGGTTGAGGATGGCGGTGGC-3'
Protein context (NP_001289981.1, residues 743-763): CREMPQNLST[Lys753Gln]PQDLCATRNP